The following is an entry in ClinVar:

ClinVar aggregate classification (germline): Benign (1 of 4 stars; one submission).

Conditions:
Familial colorectal cancer type X. Identifiers: Orphanet 440437, MedGen C3896578, MONDO:0018604.

Submission:

Myriad Genetics, Inc.
Classification: Benign for Familial colorectal cancer type X. Last evaluated: 2026-08-04. Review status: criteria provided, single submitter. Criteria: Myriad Autosomal Dominant, Autosomal Recessive and X-Linked Classification Criteria (2023). Collection method: clinical testing. Allele origin: unknown.
Comment: This variant is considered benign. This variant is a silent/synonymous amino acid change and it is not expected to impact splicing.

NM_001146227.3(RPS20):c.360C>T (p.Pro120=)

Gene: RPS20 (ribosomal protein S20; minus strand). Cytogenetic location: 8q12.1.
Variant type: single nucleotide variant.
Coding change: c.360C>T on transcript NM_001146227.3; coding-DNA position 360, C replaced by T.
Protein change: p.Pro120=; no amino-acid change (proline 120 retained).
Molecular consequence: synonymous variant.
Genome position (GRCh38, 1-based): chr8:56,069,807, G>A on the plus strand (C>T on the coding strand, the complement: RPS20 is on the minus strand). VCF-style: chr8-56069807-G-A. GRCh37 (hg19) VCF-style: chr8-56982366-G-A.
Identifiers: ClinVar variation 5042399 (VCV005042399.1).